The following is an entry in ClinVar:

NM_014000.3(VCL):c.1626C>T (p.Leu542=)

Gene: VCL (vinculin; plus strand). Cytogenetic location: 10q22.2.
Variant type: single nucleotide variant.
Coding change: c.1626C>T on transcript NM_014000.3 (MANE Select); coding-DNA position 1626, C replaced by T.
Protein change: p.Leu542=; no amino-acid change (leucine 542 retained).
Molecular consequence: synonymous variant.
Genome position (GRCh38, 1-based): chr10:74,095,738, C>T. VCF-style: chr10-74095738-C-T. GRCh37 (hg19) VCF-style: chr10-75855496-C-T.
Other names: p.L542L:CTC>CTT; c.1626C>T, p.Leu542= (NM_003373.4).
Identifiers: ClinVar variation 45585 (VCV000045585.26), dbSNP rs150402791, ClinGen allele CA136712.

ClinVar aggregate classification (germline): Benign/Likely benign. Review status: criteria provided, multiple submitters, no conflicts (2 of 4 stars). 7 submissions from 7 submitters: Benign (2); Likely benign (5). Last evaluated 2026-02-02.

Conditions:
VCL-related disorder. Also called: VCL-related condition.
Cardiovascular phenotype. Identifiers: MedGen CN230736.
Dilated cardiomyopathy 1W (CMD1W). Identifiers: Orphanet 154, MedGen C1969639, MONDO:0012667, OMIM 611407.
Hypertrophic cardiomyopathy 15. Identifiers: MedGen C2750459, MONDO:0013200, OMIM 613255.

Allele frequency attached by ClinVar (database versions not stated): gnomAD exomes 0.00009 and 0.00005; gnomAD 0.00031 and 0.00032; TOPMed 0.00041; 1000 Genomes Project 30x 0.00078; 1000 Genomes Project 0.00080; ExAC 0.00007.
gnomAD v4.1: 134 of 1,614,182 alleles (0.0083%); highest among the groups gnomAD compares: African/African-American, 0.13%; no homozygotes.

Submissions (7):

Labcorp Genetics (formerly Invitae), Labcorp
Classification: Likely benign for Dilated cardiomyopathy 1W. Last evaluated: 2026-02-02. Review status: criteria provided, single submitter. Criteria: Invitae Variant Classification Sherloc (09022015). Collection method: clinical testing. Allele origin: germline.

PreventionGenetics, part of Exact Sciences
Classification: Likely benign for VCL-related condition. Last evaluated: 2025-04-17. Review status: criteria provided, single submitter. Criteria: ACMG Guidelines, 2015. Collection method: clinical testing. Allele origin: germline.
Comment: This variant is classified as likely benign based on ACMG/AMP sequence variant interpretation guidelines (Richards et al. 2015 PMID: 25741868, with internal and published modifications).

Fulgent Genetics
Classification: Likely benign for Dilated cardiomyopathy 1W; Hypertrophic cardiomyopathy 15. Last evaluated: 2021-11-10. Review status: criteria provided, single submitter. Criteria: ACMG Guidelines, 2015. Collection method: clinical testing. Allele origin: unknown.

ARUP Laboratories, Molecular Genetics and Genomics, ARUP Laboratories
Classification: Benign. Last evaluated: 2018-04-25. Review status: criteria provided, single submitter. Criteria: ARUP Molecular Germline Variant Investigation Process. Collection method: clinical testing. Allele origin: germline.

Ambry Genetics
Classification: Likely benign for Cardiovascular phenotype. Last evaluated: 2016-11-25. Review status: criteria provided, single submitter. Criteria: Ambry Variant Classification Scheme 2023. Collection method: clinical testing. Allele origin: germline.

GeneDx
Classification: Benign. Last evaluated: 2014-03-27. Review status: criteria provided, single submitter. Criteria: GeneDx Variant Classification (06012015). Collection method: clinical testing. Allele origin: germline. Affected: yes.
Comment: This variant is considered likely benign or benign based on one or more of the following criteria: it is a conservative change, it occurs at a poorly conserved position in the protein, it is predicted to be benign by multiple in silico algorithms, and/or has population frequency not consistent with disease.

Laboratory for Molecular Medicine, Mass General Brigham Personalized Medicine
Classification: Likely benign. Last evaluated: 2012-03-19. Review status: criteria provided, single submitter. Criteria: LMM Criteria. Collection method: clinical testing. Allele origin: germline. Observed: 1 variant allele.
Comment: p.Leu542Leu in Exon 12 of VCL: This variant is not expected to have clinical sig nificance because it does not alter an amino acid residue and is not located wit hin the splice consensus sequence. It has been identified in 1/3738 African Amer ican chromosomes from a broad population by the NHLBI Exome Sequencing Project (dbSNP rs150402791).